The following is an entry in ClinVar:

NM_001903.5(CTNNA1):c.926_936del (p.Leu309fs)

Gene: CTNNA1 (catenin alpha 1; plus strand). Cytogenetic location: 5q31.2.
Variant type: Deletion.
Coding change: c.926_936del on transcript NM_001903.5 (MANE Select); coding-DNA positions 926 to 936, 11 bases deleted (TGGAAAGCATC).
Protein change: p.Leu309fs; shifts the reading frame from leucine 309.
Molecular consequence: frameshift variant.
Genome position (GRCh38, 1-based): chr5:138,827,582-138,827,592, TGGAAAGCATC deleted; deleting any 11 consecutive bases within chr5:138,827,580-138,827,592 gives the same sequence; the c. name uses the placement nearest the transcript's 3' end. VCF-style (leftmost placement, unchanged base first): chr5-138827579-GTCTGGAAAGCA-G. GRCh37 (hg19) VCF-style: chr5-138163268-GTCTGGAAAGCA-G.
Other names: c.926_936del, p.Leu309fs (NM_001290307.3, NM_001323982.2, NM_001323983.1 and 3 more transcripts); c.617_627del, p.Leu206fs (NM_001290309.3); c.557_567del, p.Leu186fs (NM_001290310.3); short protein forms L309fs, L206fs, L186fs.
Identifiers: ClinVar variation 665716 (VCV000665716.6), dbSNP rs1581178341, ClinGen allele CA915942660.

ClinVar aggregate classification (germline): Pathogenic (1 of 4 stars; one submission).

Submission:

Labcorp Genetics (formerly Invitae), Labcorp
Classification: Pathogenic. Last evaluated: 2023-06-13. Review status: criteria provided, single submitter. Criteria: Invitae Variant Classification Sherloc (09022015). Collection method: clinical testing. Allele origin: germline.
Comment: This sequence change creates a premature translational stop signal (p.Leu309Hisfs*2) in the CTNNA1 gene. It is expected to result in an absent or disrupted protein product. Loss-of-function variants in CTNNA1 are known to be pathogenic (PMID: 32051609, 34425242). This variant is not present in population databases (gnomAD no frequency). This premature translational stop signal has been observed in individual(s) with diffuse gastric cancer (PMID: 32051609). ClinVar contains an entry for this variant (Variation ID: 665716). For these reasons, this variant has been classified as Pathogenic.

Literature cited by the submitters: PubMed 32051609; PubMed 34425242.